The following is an entry in ClinVar:

NM_001271.4(CHD2):c.1603C>T (p.Pro535Ser)

Gene: CHD2 (chromodomain helicase DNA binding protein 2; plus strand). Cytogenetic location: 15q26.1.
Variant type: single nucleotide variant.
Coding change: c.1603C>T on transcript NM_001271.4 (MANE Select); coding-DNA position 1603, C replaced by T.
Protein change: p.Pro535Ser; replaces proline 535 with serine.
Molecular consequence: missense variant.
Genome position (GRCh38, 1-based): chr15:92,953,457, C>T. VCF-style: chr15-92953457-C-T. GRCh37 (hg19) VCF-style: chr15-93496687-C-T.
Other names: short protein forms P535S.
Identifiers: ClinVar variation 2170458 (VCV002170458.4), dbSNP rs765118718, ClinGen allele CA274878140.
Genomic context (GRCh38, chr15:92,953,457, plus strand): 5'-AAGACCATCCAGACCATATCATTCCTCTCCTACCTGTTCCACCAACACCAGCTGTATGGC[C>T]CCTTTCTTATAGTCGTCCCTTTATCCACCCTCACCTCATGGCAGAGAGAGTTTGAAATCT-3'
Protein context (NP_001262.3, residues 525-545): YLFHQHQLYG[Pro535Ser]FLIVVPLSTL

ClinVar aggregate classification (germline): Uncertain significance (1 of 4 stars; one submission).

Conditions:
Developmental and epileptic encephalopathy 94 (DEE94). Also called: Epileptic encephalopathy, childhood-onset; CHD2-Related Neurodevelopmental Disorders. Identifiers: Orphanet 1942, Orphanet 2382, MedGen C3809278, MONDO:0014150, OMIM 615369.

gnomAD v4.1: 1 of 1,614,092 alleles (0.000062%); highest among the groups gnomAD compares: Non-Finnish European, 0.000085%; no homozygotes.

Submission:

Labcorp Genetics (formerly Invitae), Labcorp
Classification: Uncertain significance for Developmental and epileptic encephalopathy 94. Last evaluated: 2022-03-28. Review status: criteria provided, single submitter. Criteria: Invitae Variant Classification Sherloc (09022015). Collection method: clinical testing. Allele origin: germline.
Comment: In summary, the available evidence is currently insufficient to determine the role of this variant in disease. Therefore, it has been classified as a Variant of Uncertain Significance. Advanced modeling of protein sequence and biophysical properties (such as structural, functional, and spatial information, amino acid conservation, physicochemical variation, residue mobility, and thermodynamic stability) performed at Invitae indicates that this missense variant is expected to disrupt CHD2 protein function. This variant has not been reported in the literature in individuals affected with CHD2-related conditions. This variant is present in population databases (no rsID available, gnomAD 0.0009%). This sequence change replaces proline, which is neutral and non-polar, with serine, which is neutral and polar, at codon 535 of the CHD2 protein (p.Pro535Ser).